The following is an entry in ClinVar:

ClinVar aggregate classification (germline): Pathogenic. Review status: criteria provided, multiple submitters, no conflicts (2 of 4 stars). 4 submissions from 4 submitters: Pathogenic (4). Last evaluated 2023-03-21.

Conditions:
Mucopolysaccharidosis, MPS-IV-A (MPS4A). Also called: MPS IVA; Morquio syndrome A, mild; GALACTOSAMINE-6-SULFATASE DEFICIENCY; GALNS DEFICIENCY; MORQUIO A DISEASE; Mucopolysaccharidosis type IV A. Identifiers: Orphanet 309297, Orphanet 582, MedGen C0086651, MONDO:0009659, OMIM 253000.

Submissions (4):

Foundation for Research in Genetics and Endocrinology, FRIGE's Institute of Human Genetics
Classification: Pathogenic for Mucopolysaccharidosis, MPS-IV-A. Last evaluated: 2023-03-21. Review status: criteria provided, single submitter. Criteria: ACMG Guidelines, 2015. Collection method: clinical testing. Allele origin: germline. Inheritance: Autosomal recessive inheritance. Affected: yes. Observed: 1 homozygote.
Comment: A homozygous 3’splice site variation in intron 1 of the GALNS gene downstream of exon 1 was detected. The observed variant c.120+1G>C has not been reported in the 1000 genomes and ExAC databases. The variant has previously been reported in a patient affected with MPS IVA (Bidchol et al. 2014). The in-silico prediction of the variant is damaging by MutationTaster2. In summary, the variant meets our criteria to be classified as pathogenic.

Genome-Nilou Lab
Classification: Pathogenic for Mucopolysaccharidosis, MPS-IV-A. Last evaluated: 2021-11-07. Review status: criteria provided, single submitter. Criteria: ACMG Guidelines, 2015. Collection method: clinical testing. Allele origin: germline. Affected: no.

Labcorp Genetics (formerly Invitae), Labcorp
Classification: Pathogenic for Mucopolysaccharidosis, MPS-IV-A. Last evaluated: 2021-08-31. Review status: criteria provided, single submitter. Criteria: Invitae Variant Classification Sherloc (09022015). Collection method: clinical testing. Allele origin: germline.

Laboratory of Diagnosis and Therapy of Lysosomal Disorders, University of Padova
Classification: Pathogenic for Mucopolysaccharidosis, MPS-IV-A. Last evaluated: 2021-02-01. Review status: criteria provided, single submitter. Criteria: ACMG Guidelines, 2015. Collection method: curation. Allele origin: germline. Affected: yes.
Comment: Splicing variant in canonical site (PVS1_very strong); in vivo functional studies supportive of a damaging effect on the gene product (low to null enzymatic activity in homozygotes; PS3_moderate); absent from gnomAD v2.1.1 (PM2_moderate)

Literature cited by the submitters: PubMed 24726177 (cited by Laboratory of Diagnosis and Therapy of Lysosomal Disorders, University of Padova); PubMed 25252036 (cited by Laboratory of Diagnosis and Therapy of Lysosomal Disorders, University of Padova); PubMed 34387910 (cited by Laboratory of Diagnosis and Therapy of Lysosomal Disorders, University of Padova).

NM_000512.5(GALNS):c.120+1G>C

Genes: TRAPPC2L (trafficking protein particle complex subunit 2L; plus strand), GALNS (galactosamine (N-acetyl)-6-sulfatase; minus strand), LOC130059762 (ATAC-STARR-seq lymphoblastoid silent region 7883; plus strand). Cytogenetic location: 16q24.3.
Variant type: single nucleotide variant.
Coding change: c.120+1G>C on transcript NM_000512.5 (MANE Select); the canonical splice donor site of the intron after coding-DNA position 120, G replaced by C.
Molecular consequence: splice donor variant.
Genome position (GRCh38, 1-based): chr16:88,856,757, C>G on the plus strand (G>C on the coding strand, the complement: GALNS is on the minus strand). VCF-style: chr16-88856757-C-G. GRCh37 (hg19) VCF-style: chr16-88923165-C-G.
Other names: c.-312+1G>C (NM_001323543.2); c.-33+1G>C (NM_001323544.2).
Identifiers: ClinVar variation 847816 (VCV000847816.13), dbSNP rs911877265, ClinGen allele CA286411200.
Genomic context (GRCh38, chr16:88,856,757, plus strand): 5'-CATCCGCCCCTCCCCTCCCCGCCCCACCCCGGCCCTGCCCCGTCCCACCGCCCGCACTCA[C>G]GTCGTCCATGAGCAGGAGCAGGATGTTGGGGGGCTGCGGGGCGCCCGAGGCCCCCATCCC-3'